The following is an entry in ClinVar:

NM_003640.5(ELP1):c.2860+2T>C

Gene: ELP1 (elongator acetyltransferase complex subunit 1; minus strand). Cytogenetic location: 9q31.3.
Variant type: single nucleotide variant.
Coding change: c.2860+2T>C on transcript NM_003640.5 (MANE Select); the canonical splice donor site of the intron after coding-DNA position 2860, T replaced by C.
Molecular consequence: splice donor variant.
Genome position (GRCh38, 1-based): chr9:108,893,941, A>G on the plus strand (T>C on the coding strand, the complement: ELP1 is on the minus strand). VCF-style: chr9-108893941-A-G. GRCh37 (hg19) VCF-style: chr9-111656221-A-G.
Other names: c.2518+2T>C (NM_001318360.2); c.1813+2T>C (NM_001330749.2); c.2860+2T>C (NM_003640.4).
Identifiers: ClinVar variation 370227 (VCV000370227.10), dbSNP rs754348901, ClinGen allele CA5174517.

ClinVar aggregate classification (germline): Likely pathogenic. Review status: criteria provided, multiple submitters, no conflicts (2 of 4 stars). 4 submissions from 4 submitters: Likely pathogenic (3). 1 of the submissions does not count toward it. Last evaluated 2026-03-03.

Conditions:
Medulloblastoma (MDB). Also called: Medulloblastoma, somatic; MEDULLOBLASTOMA PREDISPOSITION SYNDROME. Identifiers: Orphanet 616, MedGen C0025149, MeSH D008527, MONDO:0007959, OMIM 155255, HP:0002885.
Familial dysautonomia. Also called: FD; HSAN III. Identifiers: Orphanet 1764, MedGen C0013364, MONDO:0009131, OMIM 223900. Disease mechanism: loss of function.

Allele frequency attached by ClinVar (database versions not stated): gnomAD exomes below 0.00001 and 0.00002; TOPMed below 0.00001; ExAC 0.00001; gnomAD 0.00001.
gnomAD v4.1: 24 of 1,613,700 alleles (0.0015%); highest among the groups gnomAD compares: Non-Finnish European, 0.002%; no homozygotes.

Submissions (4):

Zero Childhood Cancer Program, Children's Cancer Institute
Classification: Likely pathogenic for Medulloblastoma. Last evaluated: 2026-03-03. Review status: criteria provided, single submitter. Criteria: Zero Childhood Cancer Program Assertion Criteria November2025. Collection method: research. Allele origin: germline. Inheritance: Autosomal dominant inheritance. Affected: yes.
Comment: The c.2860+2T>C variant in ELP1 occurs within the canonical splice donor site (+ 2) of intron 26 of 36. It is predicted to cause skipping of exon 26 of 37, resulting in a frameshift leading to nonsense mediated decay in a gene in which loss-of-function is an established disease mechanism (PVS1; PMID: 18303054, 32296180). This prediction is confirmed by RNA sequencing of the patient’s tumour sample which demonstrated that the variant impacts splicing leading to out-of-frame exon skipping of exon 26 (internal data). The computational splicing predictor SpliceAI gives a score of 0.67 for donor loss and 0.63 for donor gain, predicting that the variant disrupts the donor splice site of intron 16 of ELP1. This variant is rare in gnomAD v4 (frequency of 0.0000157) (PM2_Supporting). There is a ClinVar entry for this variant (VCV000370227.8, 1 star review status) with two submitters classifying the variant as likely pathogenic. For these reasons, this variant has been classified as likely pathogenic.

Natera, Inc.
Classification: Likely pathogenic for Familial dysautonomia. Last evaluated: 2025-05-05. Review status: criteria provided, single submitter. Criteria: Natera Variant Classification Schema (03/2026). Collection method: clinical testing. Allele origin: germline.
Comment: The c.2860+2T>C variant in ELP1 is a canonical splice donor site variant predicted to affect pre-mRNA splicing, which may result in an abnormal transcript and altered protein product. This variant is expected to result in nonsense mediated decay, truncation, or a dysfunctional protein product. This variant is rare in the general population with a frequency below the threshold expected for the associated phenotype(s). Given the available evidence, this variant is classified as Likely Pathogenic.

Labcorp Genetics (formerly Invitae), Labcorp
Classification: Likely pathogenic. Last evaluated: 2024-06-01. Review status: criteria provided, single submitter. Criteria: Invitae Variant Classification Sherloc (09022015). Collection method: clinical testing. Allele origin: germline.
Comment: This sequence change affects a donor splice site in intron 26 of the ELP1 gene. It is expected to disrupt RNA splicing. Variants that disrupt the donor or acceptor splice site typically lead to a loss of protein function (PMID: 16199547), and loss-of-function variants in ELP1 are known to be pathogenic (PMID: 18303054, 24173031). This variant is present in population databases (rs754348901, gnomAD 0.0009%). This variant has not been reported in the literature in individuals affected with ELP1-related conditions. ClinVar contains an entry for this variant (Variation ID: 370227). Algorithms developed to predict the effect of sequence changes on RNA splicing suggest that this variant may disrupt the consensus splice site. In summary, the currently available evidence indicates that the variant is pathogenic, but additional data are needed to prove that conclusively. Therefore, this variant has been classified as Likely Pathogenic.

Counsyl
Classification: Likely pathogenic for Familial dysautonomia. Last evaluated: 2015-12-21. Review status: no assertion criteria provided. Collection method: clinical testing. Allele origin: unknown. Not counted in ClinVar's aggregate classification.

Literature cited by the submitters: PubMed 18303054 (cited by Zero Childhood Cancer Program, Children's Cancer Institute and Labcorp Genetics (formerly Invitae), Labcorp); PubMed 32296180 (cited by Zero Childhood Cancer Program, Children's Cancer Institute); PubMed 16199547 (cited by Labcorp Genetics (formerly Invitae), Labcorp); PubMed 24173031 (cited by Labcorp Genetics (formerly Invitae), Labcorp).